The following is an entry in ClinVar:

ClinVar aggregate classification (germline): Uncertain significance (1 of 4 stars; one submission).

Allele frequency attached by ClinVar (database versions not stated): gnomAD exomes below 0.00001; TOPMed below 0.00001; gnomAD 0.00001; ExAC 0.00002.
gnomAD v4.1: 9 of 1,612,856 alleles (0.00056%); highest among the groups gnomAD compares: Admixed American, 0.0017%; no homozygotes.

Submission:

Labcorp Genetics (formerly Invitae), Labcorp
Classification: Uncertain significance. Last evaluated: 2024-07-31. Review status: criteria provided, single submitter. Criteria: Invitae Variant Classification Sherloc (09022015). Collection method: clinical testing. Allele origin: germline.
Comment: This sequence change replaces valine, which is neutral and non-polar, with methionine, which is neutral and non-polar, at codon 434 of the PRPF6 protein (p.Val434Met). This variant is present in population databases (rs753357562, gnomAD 0.03%). This missense change has been observed in individual(s) with inherited retinal dystrophy (PMID: 33576794). ClinVar contains an entry for this variant (Variation ID: 1925192). Advanced modeling of protein sequence and biophysical properties (such as structural, functional, and spatial information, amino acid conservation, physicochemical variation, residue mobility, and thermodynamic stability) performed at Invitae indicates that this missense variant is expected to disrupt PRPF6 protein function with a positive predictive value of 80%. In summary, the available evidence is currently insufficient to determine the role of this variant in disease. Therefore, it has been classified as a Variant of Uncertain Significance.

Literature cited by the submitters: PubMed 33576794.

NM_012469.4(PRPF6):c.1300G>A (p.Val434Met)

Gene: PRPF6 (pre-mRNA processing factor 6; plus strand). Cytogenetic location: 20q13.33.
Variant type: single nucleotide variant.
Coding change: c.1300G>A on transcript NM_012469.4 (MANE Select); coding-DNA position 1300, G replaced by A.
Protein change: p.Val434Met; replaces valine 434 with methionine.
Molecular consequence: missense variant.
Genome position (GRCh38, 1-based): chr20:64,010,313, G>A. VCF-style: chr20-64010313-G-A. GRCh37 (hg19) VCF-style: chr20-62641666-G-A.
Other names: short protein forms V434M.
Identifiers: ClinVar variation 1925192 (VCV001925192.5), dbSNP rs753357562, ClinGen allele CA9972135.